The following is an entry in ClinVar:

NM_021830.5(TWNK):c.1826G>A (p.Arg609His)

Gene: TWNK (twinkle mtDNA helicase; plus strand). Cytogenetic location: 10q24.31.
Variant type: single nucleotide variant.
Coding change: c.1826G>A on transcript NM_021830.5 (MANE Select); coding-DNA position 1826, G replaced by A.
Protein change: p.Arg609His; replaces arginine 609 with histidine.
Molecular consequence: missense variant. On other transcripts: 3 prime UTR variant (2), non-coding transcript variant (5).
Genome position (GRCh38, 1-based): chr10:100,993,281, G>A. VCF-style: chr10-100993281-G-A. GRCh37 (hg19) VCF-style: chr10-102753038-G-A.
Other names: c.1826G>A (NM_021830.4); c.*121G>A (NM_001163812.2, NM_001163814.2); c.464G>A, p.Arg155His (NM_001163813.2, NM_001368275.1); short protein forms R609H, R155H.
Identifiers: ClinVar variation 1907938 (VCV001907938.9), dbSNP rs1274226715, ClinGen allele CA378212066.
Genomic context (GRCh38, chr10:100,993,281, plus strand): 5'-TGCAGGACAGGAAGCTGGTAACCGGGCCAGGGAAACGGTATCTGCAGGTGTCCAAGAACC[G>A]CTTTGATGGAGATGTAGGTGTCTTCCCGCTTGAGTTCAACAAGAACTCCCTCACCTTCTC-3'
Protein context (NP_068602.2, residues 599-619): GKRYLQVSKN[Arg609His]FDGDVGVFPL

ClinVar aggregate classification (germline): Uncertain significance. Review status: criteria provided, multiple submitters, no conflicts (2 of 4 stars). 3 submissions from 3 submitters: Uncertain significance (3). Last evaluated 2025-06-18.

Conditions:
TWNK-related disorder. Also called: TWNK-related condition.
Progressive external ophthalmoplegia with mitochondrial DNA deletions, autosomal dominant 3. Also called: PROGRESSIVE EXTERNAL OPHTHALMOPLEGIA, AUTOSOMAL DOMINANT 3. Identifiers: MedGen C1836439, MONDO:0012241, OMIM 609286.

Allele frequency attached by ClinVar (database versions not stated): gnomAD exomes below 0.00001; TOPMed below 0.00001.
gnomAD v4.1: 6 of 1,614,236 alleles (0.00037%); highest among the groups gnomAD compares: Non-Finnish European, 0.00051%; no homozygotes.

Submissions (3):

PreventionGenetics, part of Exact Sciences
Classification: Uncertain significance for TWNK-related condition. Last evaluated: 2025-06-18. Review status: criteria provided, single submitter. Criteria: ACMG Guidelines, 2015. Collection method: clinical testing. Allele origin: germline.
Comment: The TWNK c.1826G>A variant is predicted to result in the amino acid substitution p.Arg609His. To our knowledge, this variant has not been reported in the literature or in a large population database (gnomAD), indicating this variant is rare. At this time, the clinical significance of this variant is uncertain due to the absence of conclusive functional and genetic evidence.

Genomic Medicine Center of Excellence, King Faisal Specialist Hospital and Research Centre
Classification: Uncertain significance for Progressive external ophthalmoplegia with mitochondrial DNA deletions, autosomal dominant 3. Last evaluated: 2024-03-26. Review status: criteria provided, single submitter. Criteria: ACMG Guidelines, 2015. Collection method: clinical testing. Allele origin: germline.

Labcorp Genetics (formerly Invitae), Labcorp
Classification: Uncertain significance. Last evaluated: 2022-06-16. Review status: criteria provided, single submitter. Criteria: Invitae Variant Classification Sherloc (09022015). Collection method: clinical testing. Allele origin: germline.
Comment: In summary, the available evidence is currently insufficient to determine the role of this variant in disease. Therefore, it has been classified as a Variant of Uncertain Significance. Advanced modeling of protein sequence and biophysical properties (such as structural, functional, and spatial information, amino acid conservation, physicochemical variation, residue mobility, and thermodynamic stability) performed at Invitae indicates that this missense variant is expected to disrupt TWNK protein function. This variant has not been reported in the literature in individuals affected with TWNK-related conditions. This variant is not present in population databases (gnomAD no frequency). This sequence change replaces arginine, which is basic and polar, with histidine, which is basic and polar, at codon 609 of the TWNK protein (p.Arg609His).